The following is an entry in ClinVar:

ClinVar aggregate classification (germline): Likely benign (1 of 4 stars; one submission).

Allele frequency attached by ClinVar (database versions not stated): gnomAD 0.00007 and 0.00008; ESP Exome Variant Server 0.00008; gnomAD exomes 0.00008 and 0.00012; TOPMed 0.00008; ExAC 0.00010.
gnomAD v4.1: 125 of 1,612,436 alleles (0.0078%); highest among the groups gnomAD compares: Non-Finnish European, 0.0081%; no homozygotes.

Submission:

CeGaT Center for Human Genetics Tuebingen
Classification: Likely benign. Last evaluated: 2026-07-01. Review status: criteria provided, single submitter. Criteria: CeGaT Center For Human Genetics Tuebingen Variant Classification Criteria Version 2. Collection method: clinical testing. Allele origin: germline. Affected: yes. Observed: 4 variant alleles.
Comment: ATP13A2: BP4, BP7

NM_022089.4(ATP13A2):c.*11C>T

Gene: ATP13A2 (ATPase cation transporting 13A2; minus strand). Cytogenetic location: 1p36.13.
Variant type: single nucleotide variant.
Coding change: c.*11C>T on transcript NM_022089.4 (MANE Select); 11 bases downstream of the stop codon, C replaced by T.
Molecular consequence: 3 prime UTR variant. On other transcripts: synonymous variant (1).
Genome position (GRCh38, 1-based): chr1:16,986,210, G>A on the plus strand (C>T on the coding strand, the complement: ATP13A2 is on the minus strand). VCF-style: chr1-16986210-G-A. GRCh37 (hg19) VCF-style: chr1-17312705-G-A.
Other names: c.*11C>T (NM_001141973.3); c.3252C>T, p.His1084= (NM_001141974.3).
Identifiers: ClinVar variation 1694495 (VCV001694495.31), dbSNP rs369889934, ClinGen allele CA636450.